The following is an entry in ClinVar:

NM_001128922.2(LRRC32):c.1191C>T (p.Ala397=)

Genes: LRRC32 (leucine rich repeat containing 32; minus strand), LRRC32-AS1 (LRRC32 antisense RNA 1; plus strand). Cytogenetic location: 11q13.5.
Variant type: single nucleotide variant.
Coding change: c.1191C>T on transcript NM_001128922.2 (MANE Select); coding-DNA position 1191, C replaced by T.
Protein change: p.Ala397=; no amino-acid change (alanine 397 retained).
Molecular consequence: synonymous variant. On other transcripts: non-coding transcript variant (1), intron variant (1).
Genome position (GRCh38, 1-based): chr11:76,660,402, G>A on the plus strand (C>T on the coding strand, the complement: LRRC32 is on the minus strand). VCF-style: chr11-76660402-G-A. GRCh37 (hg19) VCF-style: chr11-76371446-G-A.
Other names: c.1191C>T, p.Ala397= (NM_001370187.1, NM_001370188.1, NM_005512.3); c.1125C>T, p.Ala375= (NM_001370189.1); c.861C>T, p.Ala287= (NM_001370190.1); c.85-2368C>T (NM_001370191.1); c.1191C>T (NM_005512.2).
Identifiers: ClinVar variation 2642169 (VCV002642169.26), dbSNP rs138665218, ClinGen allele CA6194675.
Genomic context (GRCh38, chr11:76,660,402, plus strand): 5'-CAGGTTGAGCCGCTGCAGGCTGGCCAGATTGGCAAAGGTGTATGGGGGCAGGTCCCGCAG[G>A]GCATTGCCCTGTAGGAGCAGCGTCCGCAGAGACCCCAGGGCTCTGGCGCCCAGTTCCAGT-3'
Protein context (NP_001122394.1, residues 387-407): SLRTLLLQGN[Ala397=]LRDLPPYTFA

ClinVar aggregate classification (germline): Likely benign. Review status: criteria provided, multiple submitters, no conflicts (2 of 4 stars). 3 submissions from 3 submitters: Likely benign (3). Last evaluated 2026-04-17.

Conditions:
LRRC32-related disorder. Also called: LRRC32-related condition.

Allele frequency attached by ClinVar (database versions not stated): 1000 Genomes Project 0.00100; 1000 Genomes Project 30x 0.00109; ExAC 0.00119; gnomAD 0.00149; TOPMed 0.00172; ESP Exome Variant Server 0.00177; gnomAD exomes 0.00232.

Submissions (3):

PreventionGenetics, part of Exact Sciences
Classification: Likely benign for LRRC32-related condition. Last evaluated: 2026-04-17. Review status: criteria provided, single submitter. Criteria: ACMG Guidelines, 2015. Collection method: clinical testing. Allele origin: germline.
Comment: This variant is classified as likely benign based on ACMG/AMP sequence variant interpretation guidelines (Richards et al. 2015 PMID: 25741868, with internal and published modifications).

CeGaT Center for Human Genetics Tuebingen
Classification: Likely benign. Last evaluated: 2025-08-01. Review status: criteria provided, single submitter. Criteria: CeGaT Center For Human Genetics Tuebingen Variant Classification Criteria Version 2. Collection method: clinical testing. Allele origin: germline. Affected: yes. Observed: 5 variant alleles.
Comment: LRRC32: BP4, BP7

Blueprint Genetics
Classification: Likely benign. Last evaluated: 2024-10-07. Review status: criteria provided, single submitter. Criteria: ACMG Guidelines, 2015. Collection method: clinical testing. Allele origin: germline.